The following is an entry in ClinVar:

ClinVar aggregate classification (germline): Uncertain significance. Review status: criteria provided, multiple submitters, no conflicts (2 of 4 stars). 2 submissions from 2 submitters: Uncertain significance (2). Last evaluated 2025-01-17.

Conditions:
Exudative vitreoretinopathy 4 (EVR4). Identifiers: Orphanet 891, MedGen C1866176, MONDO:0011151, OMIM 601813.

Allele frequency attached by ClinVar (database versions not stated): TOPMed 0.00001; gnomAD 0.00002.
gnomAD v4.1: 18 of 1,614,046 alleles (0.0011%); highest among the groups gnomAD compares: Non-Finnish European, 0.0014%; no homozygotes.

Submissions (2):

Labcorp Genetics (formerly Invitae), Labcorp
Classification: Uncertain significance. Last evaluated: 2025-01-17. Review status: criteria provided, single submitter. Criteria: Invitae Variant Classification Sherloc (09022015). Collection method: clinical testing. Allele origin: germline.
Comment: This sequence change replaces glutamic acid, which is acidic and polar, with lysine, which is basic and polar, at codon 84 of the LRP5 protein (p.Glu84Lys). This variant is present in population databases (rs201119420, gnomAD 0.007%). This variant has not been reported in the literature in individuals affected with LRP5-related conditions. ClinVar contains an entry for this variant (Variation ID: 841150). Invitae Evidence Modeling of protein sequence and biophysical properties (such as structural, functional, and spatial information, amino acid conservation, physicochemical variation, residue mobility, and thermodynamic stability) has been performed for this missense variant. However, the output from this modeling did not meet the statistical confidence thresholds required to predict the impact of this variant on LRP5 protein function. In summary, the available evidence is currently insufficient to determine the role of this variant in disease. Therefore, it has been classified as a Variant of Uncertain Significance.

Johns Hopkins Genomics, Johns Hopkins University
Classification: Uncertain significance for Exudative vitreoretinopathy 4. Last evaluated: 2023-04-06. Review status: criteria provided, single submitter. Criteria: ACMG Guidelines, 2015. Collection method: clinical testing. Allele origin: germline.
Comment: This LRP5 variant (rs201119420) is rare (<0.1%) in a large population dataset (gnomAD: 4/251310 total alleles; 0.0016%; no homozygotes) and has been reported in ClinVar. Of two bioinformatics tools queried, one predicts that the substitution would be possibly damaging, while another predicts that it would be tolerated. The glutamic acid residue at this position is strongly conserved across the vertebrate species assessed. Bioinformatic analysis predicts that this missense variant would not affect normal exon 2 splicing, although this has not been confirmed experimentally to our knowledge. Due to insufficient evidence that this variant is deleterious, we consider the clinical significance of c.250G>A (p.Glu84Lys) to be uncertain at this time.

Literature cited by the submitters: PubMed 15024691 (cited by Johns Hopkins Genomics, Johns Hopkins University); PubMed 15346351 (cited by Johns Hopkins Genomics, Johns Hopkins University); PubMed 19837032 (cited by Johns Hopkins Genomics, Johns Hopkins University).

NM_002335.4(LRP5):c.250G>A (p.Glu84Lys)

Gene: LRP5 (LDL receptor related protein 5; plus strand). Cytogenetic location: 11q13.2.
Variant type: single nucleotide variant.
Coding change: c.250G>A on transcript NM_002335.4 (MANE Select); coding-DNA position 250, G replaced by A.
Protein change: p.Glu84Lys; replaces glutamic acid 84 with lysine.
Molecular consequence: missense variant. On other transcripts: 5 prime UTR variant (1).
Genome position (GRCh38, 1-based): chr11:68,348,005, G>A. VCF-style: chr11-68348005-G-A. GRCh37 (hg19) VCF-style: chr11-68115473-G-A.
Other names: c.-1516G>A (NM_001291902.2); short protein forms E84K.
Identifiers: ClinVar variation 841150 (VCV000841150.8), dbSNP rs201119420, ClinGen allele CA6148944.
Genomic context (GRCh38, chr11:68,348,005, plus strand): 5'-GATGCGGCCGCAGTGGACTTCCAGTTTTCCAAGGGAGCCGTGTACTGGACAGACGTGAGC[G>A]AGGAGGCCATCAAGCAGACCTACCTGAACCAGACGGGGGCCGCCGTGCAGAACGTGGTCA-3'
Protein context (NP_002326.2, residues 74-94): KGAVYWTDVS[Glu84Lys]EAIKQTYLNQ